The following is an entry in ClinVar:

NM_032444.4(SLX4):c.1555T>C (p.Cys519Arg)

Gene: SLX4 (SLX4 structure-specific endonuclease subunit; minus strand). Cytogenetic location: 16p13.3.
Variant type: single nucleotide variant.
Coding change: c.1555T>C on transcript NM_032444.4 (MANE Select); coding-DNA position 1555, T replaced by C.
Protein change: p.Cys519Arg; replaces cysteine 519 with arginine.
Molecular consequence: missense variant.
Genome position (GRCh38, 1-based): chr16:3,597,507, A>G on the plus strand (T>C on the coding strand, the complement: SLX4 is on the minus strand). VCF-style: chr16-3597507-A-G. GRCh37 (hg19) VCF-style: chr16-3647508-A-G.
Other names: c.1555T>C (LRG_503t1); short protein forms C519R.
Identifiers: ClinVar variation 456290 (VCV000456290.8), dbSNP rs746419738, ClinGen allele CA7866492.

ClinVar aggregate classification (germline): Uncertain significance (1 of 4 stars; one submission).

Conditions:
Fanconi anemia (FA). Also called: Fanconi's anemia. Identifiers: Orphanet 84, MedGen C0015625, MeSH D005199, MONDO:0019391.

Allele frequency attached by ClinVar (database versions not stated): gnomAD exomes below 0.00001 and 0.00001; TOPMed below 0.00001; ExAC 0.00001; gnomAD 0.00001.
gnomAD v4.1: 9 of 1,613,938 alleles (0.00056%); highest among the groups gnomAD compares: African/African-American, 0.0013%; no homozygotes.

Submission:

Labcorp Genetics (formerly Invitae), Labcorp
Classification: Uncertain significance for Fanconi anemia. Last evaluated: 2024-11-20. Review status: criteria provided, single submitter. Criteria: Invitae Variant Classification Sherloc (09022015). Collection method: clinical testing. Allele origin: germline.
Comment: This sequence change replaces cysteine, which is neutral and slightly polar, with arginine, which is basic and polar, at codon 519 of the SLX4 protein (p.Cys519Arg). This variant is present in population databases (rs746419738, gnomAD 0.0009%). This variant has not been reported in the literature in individuals affected with SLX4-related conditions. ClinVar contains an entry for this variant (Variation ID: 456290). An algorithm developed to predict the effect of missense changes on protein structure and function outputs the following: PolyPhen-2: "Benign". The arginine amino acid residue is found in multiple mammalian species, which suggests that this missense change does not adversely affect protein function. In summary, the available evidence is currently insufficient to determine the role of this variant in disease. Therefore, it has been classified as a Variant of Uncertain Significance.